The following is an entry in ClinVar:

ClinVar aggregate classification (germline): Uncertain significance (1 of 4 stars; one submission).

Conditions:
Amyotrophic lateral sclerosis type 21. Also called: MYOPATHY, DISTAL, 2; VOCAL CORD AND PHARYNGEAL DYSFUNCTION WITH DISTAL MYOPATHY. Identifiers: Orphanet 600, Orphanet 803, MedGen C3807521, MONDO:0011632, OMIM 606070.

Allele frequency attached by ClinVar (database versions not stated): gnomAD exomes below 0.00001; gnomAD 0.00001; TOPMed 0.00001.
gnomAD v4.1: 9 of 1,614,088 alleles (0.00056%); highest among the groups gnomAD compares: African/African-American, 0.0013%; no homozygotes.

Submission:

Labcorp Genetics (formerly Invitae), Labcorp
Classification: Uncertain significance for Amyotrophic lateral sclerosis type 21. Last evaluated: 2023-05-22. Review status: criteria provided, single submitter. Criteria: Invitae Variant Classification Sherloc (09022015). Collection method: clinical testing. Allele origin: germline.
Comment: This sequence change replaces methionine, which is neutral and non-polar, with threonine, which is neutral and polar, at codon 650 of the MATR3 protein (p.Met650Thr). This variant is present in population databases (no rsID available, gnomAD 0.0009%). This variant has not been reported in the literature in individuals affected with MATR3-related conditions. ClinVar contains an entry for this variant (Variation ID: 1514491). Advanced modeling of protein sequence and biophysical properties (such as structural, functional, and spatial information, amino acid conservation, physicochemical variation, residue mobility, and thermodynamic stability) performed at Invitae indicates that this missense variant is not expected to disrupt MATR3 protein function. In summary, the available evidence is currently insufficient to determine the role of this variant in disease. Therefore, it has been classified as a Variant of Uncertain Significance.

NM_018834.6(MATR3):c.1949T>C (p.Met650Thr)

Genes: MATR3 (matrin 3; plus strand), LOC126807526 (CDK7 strongly-dependent group 2 enhancer GRCh37_chr5:138657767-138658966; plus strand). Cytogenetic location: 5q31.2.
Variant type: single nucleotide variant.
Coding change: c.1949T>C on transcript NM_018834.6 (MANE Select); coding-DNA position 1949, T replaced by C.
Protein change: p.Met650Thr; replaces methionine 650 with threonine.
Molecular consequence: missense variant.
Genome position (GRCh38, 1-based): chr5:139,322,768, T>C. VCF-style: chr5-139322768-T-C. GRCh37 (hg19) VCF-style: chr5-138658457-T-C.
Other names: c.1949T>C, p.Met650Thr (NM_001194954.2, NM_001194955.2, NM_199189.3); c.1085T>C, p.Met362Thr (NM_001194956.2); c.935T>C, p.Met312Thr (NM_001282278.2); short protein forms M650T, M362T, M312T.
Identifiers: ClinVar variation 1514491 (VCV001514491.8), dbSNP rs1176347654, ClinGen allele CA361143985.